The following is an entry in ClinVar:

NM_020436.5(SALL4):c.1159T>C (p.Cys387Arg)

Gene: SALL4 (spalt like transcription factor 4; minus strand). Cytogenetic location: 20q13.2.
Variant type: single nucleotide variant.
Coding change: c.1159T>C on transcript NM_020436.5 (MANE Select); coding-DNA position 1159, T replaced by C.
Protein change: p.Cys387Arg; replaces cysteine 387 with arginine.
Molecular consequence: missense variant. On other transcripts: intron variant (1).
Genome position (GRCh38, 1-based): chr20:51,791,324, A>G on the plus strand (T>C on the coding strand, the complement: SALL4 is on the minus strand). VCF-style: chr20-51791324-A-G. GRCh37 (hg19) VCF-style: chr20-50407863-A-G.
Other names: c.1150+9T>C (NM_001318031.2); short protein forms C387R.
Identifiers: ClinVar variation 3256618 (VCV003256618.1).
Genomic context (GRCh38, chr20:51,791,324, plus strand): 5'-CTCCAGTGTGGGAGCGGAGGTGGATCTGCAAGGAGCTATCAGTCCCAAAAACCTTGCTAC[A>G]GTACTTACACTTGTGCTTGTAGAGGGCCGCCTCGTCTTTGGGTTTGACATCCACCGCGGA-3'
Protein context (NP_065169.1, residues 377-397): AALYKHKCKY[Cys387Arg]SKVFGTDSSL

ClinVar aggregate classification (germline): Uncertain significance (1 of 4 stars; one submission).

Conditions:
Duane-radial ray syndrome (DRRS). Also called: Duane-Radial Ray Syndrome (DRRS) / Okihiro Syndrome; ACRORENOOCULAR SYNDROME; DR SYNDROME; DUANE ANOMALY WITH RADIAL RAY ABNORMALITIES AND DEAFNESS; Duane-Radial Ray Syndrome/Okihiro Syndrome; Okihiro Syndrome. Identifiers: Orphanet 93293, Orphanet 959, MedGen C1623209, MONDO:0011812, OMIM 607323. Disease mechanism: gain of function.

Submission:

MVZ Medizinische Genetik Mainz
Classification: Uncertain significance for Duane-radial ray syndrome. Last evaluated: 2024-04-11. Review status: criteria provided, single submitter. Criteria: UK Practice Guidelines For Variant Classification V4 01 2020. Collection method: clinical testing. Allele origin: germline. Inheritance: Autosomal dominant inheritance. Affected: yes. Observed: 1 variant allele.
Comment: ACMG Criteria: PP3_MOD,PM2_SUP